The following is an entry in ClinVar:

ClinVar aggregate classification (germline): Benign (1 of 4 stars; one submission).

Conditions:
Episodic ataxia type 5. Identifiers: Orphanet 211067, MedGen C1866039, MONDO:0013464, OMIM 613855.

Allele frequency attached by ClinVar (database versions not stated): 1000 Genomes Project 30x 0.00031; TOPMed 0.00037; 1000 Genomes Project 0.00040; gnomAD 0.00040 and 0.00042.
gnomAD v4.1: 61 of 152,184 alleles (0.04%); highest among the groups gnomAD compares: Admixed American, 0.085%; 1 homozygote.

Submission:

Illumina Laboratory Services, Illumina
Classification: Benign for Episodic ataxia type 5. Last evaluated: 2018-01-13. Review status: criteria provided, single submitter. Criteria: ICSL Variant Classification Criteria 13 December 2019. Collection method: clinical testing. Allele origin: germline.
Comment: This variant was observed in the ICSL laboratory as part of a predisposition screen in an ostensibly healthy population. It had not been previously curated by ICSL or reported in the Human Gene Mutation Database (HGMD: prior to June 1st, 2018), and was therefore a candidate for classification through an automated scoring system. Utilizing variant allele frequency, disease prevalence and penetrance estimates, and inheritance mode, an automated score was calculated to assess if this variant is too frequent to cause the disease. Based on the score and internal cut-off values, a variant classified as benign is not then subjected to further curation. The score for this variant resulted in a classification of benign for this disease.

NM_000726.5(CACNB4):c.*5562A>G

Gene: CACNB4 (calcium voltage-gated channel auxiliary subunit beta 4; minus strand). Cytogenetic location: 2q23.3.
Variant type: single nucleotide variant.
Coding change: c.*5562A>G on transcript NM_000726.5 (MANE Select); 5562 bases downstream of the stop codon, A replaced by G.
Molecular consequence: 3 prime UTR variant.
Genome position (GRCh38, 1-based): chr2:151,833,557, T>C on the plus strand (A>G on the coding strand, the complement: CACNB4 is on the minus strand). VCF-style: chr2-151833557-T-C. GRCh37 (hg19) VCF-style: chr2-152690071-T-C.
Other names: c.*5562A>G (NM_001005746.4, NM_001005747.4, NM_001145798.3 and 7 more transcripts).
Identifiers: ClinVar variation 331554 (VCV000331554.6), dbSNP rs192309143, ClinGen allele CA10611370.